The following is an entry in ClinVar:

ClinVar aggregate classification (germline): Uncertain significance. Review status: criteria provided, multiple submitters, no conflicts (2 of 4 stars). 2 submissions from 2 submitters: Uncertain significance (2). Last evaluated 2026-08-07.

Conditions:
SH2B1-related disorder. Also called: SH2B1-related condition.

Allele frequency attached by ClinVar (database versions not stated): gnomAD 0.00010; gnomAD exomes 0.00010; TOPMed 0.00013; ExAC 0.00020.
gnomAD v4.1: 160 of 1,602,358 alleles (0.01%); highest among the groups gnomAD compares: Middle Eastern, 0.066%; 1 homozygote.

Submissions (2):

PreventionGenetics, part of Exact Sciences
Classification: Uncertain significance for SH2B1-related condition. Last evaluated: 2026-08-07. Review status: criteria provided, single submitter. Criteria: ACMG Guidelines, 2015. Collection method: clinical testing. Allele origin: germline.
Comment: The SH2B1 c.2000C>T variant is predicted to result in the amino acid substitution p.Ala667Val. This variant has been reported in at least one individual with childhood obesity (Aerts et al. 2015. PubMed ID: 26031769). This variant is reported in 0.017% of alleles in individuals of South Asian descent in gnomAD, including one homozygous individual. At this time, the clinical significance of this variant is uncertain due to the absence of conclusive functional and genetic evidence.

Labcorp Genetics (formerly Invitae), Labcorp
Classification: Uncertain significance. Last evaluated: 2025-07-14. Review status: criteria provided, single submitter. Criteria: Invitae Variant Classification Sherloc (09022015). Collection method: clinical testing. Allele origin: germline.
Comment: This sequence change replaces alanine, which is neutral and non-polar, with valine, which is neutral and non-polar, at codon 667 of the SH2B1 protein (p.Ala667Val). This variant is present in population databases (rs774819489, gnomAD 0.02%). This variant has not been reported in the literature in individuals affected with SH2B1-related conditions. ClinVar contains an entry for this variant (Variation ID: 2185368). An algorithm developed to predict the effect of missense changes on protein structure and function (PolyPhen-2) suggests that this variant is likely to be disruptive. In summary, the available evidence is currently insufficient to determine the role of this variant in disease. Therefore, it has been classified as a Variant of Uncertain Significance.

NM_001387430.1(SH2B1):c.2000C>T (p.Ala667Val)

Gene: SH2B1 (SH2B adaptor protein 1; plus strand). Cytogenetic location: 16p11.2.
Variant type: single nucleotide variant.
Coding change: c.2000C>T on transcript NM_001387430.1 (MANE Select); coding-DNA position 2000, C replaced by T.
Protein change: p.Ala667Val; replaces alanine 667 with valine.
Molecular consequence: missense variant. On other transcripts: 3 prime UTR variant (5).
Genome position (GRCh38, 1-based): chr16:28,873,549, C>T. VCF-style: chr16-28873549-C-T. GRCh37 (hg19) VCF-style: chr16-28884870-C-T.
Other names: c.2000C>T (NM_001145795.1); c.2000C>T, p.Ala667Val (NM_001145795.2, NM_001308293.2, NM_001387404.1); c.*84C>T (NM_001145796.2, NM_001145812.2, NM_001308294.2 and 1 more transcripts); c.*101C>T (NM_001145797.2); short protein forms A667V.
Identifiers: ClinVar variation 2185368 (VCV002185368.6), dbSNP rs774819489, ClinGen allele CA7986422.